The following is an entry in ClinVar:

ClinVar aggregate classification (germline): Likely benign. Review status: criteria provided, multiple submitters, no conflicts (2 of 4 stars). 4 submissions from 4 submitters: Likely benign (2). 2 of the submissions do not count toward it. Last evaluated 2026-07-01.

Conditions:
SLC35A3-related disorder. Also called: SLC35A3-related condition.
Autism spectrum disorder - epilepsy - arthrogryposis syndrome (AMRS). Identifiers: Orphanet 370943, MedGen C3809910, MONDO:0014248, OMIM 615553.
Arthrogryposis multiplex congenita (AMC). Also called: Guérin-Stern syndrome; Congenital multiple arthrogryposis; Fibrous ankylosis of multiple joints; Congenital arthromyodysplasia; Myodystrophia fetalis deformans; Otto syndrome. Identifiers: Orphanet 1037, MedGen C5779613, MeSH D001176, MONDO:0015168, HP:0002804.

Allele frequency attached by ClinVar (database versions not stated): ExAC 0.00029; gnomAD 0.00038; ESP Exome Variant Server 0.00046; TOPMed 0.00054.
gnomAD v4.1: 991 of 1,614,022 alleles (0.061%); highest among the groups gnomAD compares: Admixed American, 0.1%; no homozygotes.

Submissions (4):

CeGaT Center for Human Genetics Tuebingen
Classification: Likely benign. Last evaluated: 2026-07-01. Review status: criteria provided, single submitter. Criteria: CeGaT Center For Human Genetics Tuebingen Variant Classification Criteria Version 2. Collection method: clinical testing. Allele origin: germline. Affected: yes. Observed: 1 variant allele.
Comment: SLC35A3: BP4, BP7

Labcorp Genetics (formerly Invitae), Labcorp
Classification: Likely benign for Autism spectrum disorder - epilepsy - arthrogryposis syndrome. Last evaluated: 2026-01-14. Review status: criteria provided, single submitter. Criteria: Invitae Variant Classification Sherloc (09022015). Collection method: clinical testing. Allele origin: germline.

Natera, Inc.
Classification: Likely benign for Arthrogryposis. Last evaluated: 2020-09-16. Review status: no assertion criteria provided. Collection method: clinical testing. Allele origin: germline. Not counted in ClinVar's aggregate classification.

PreventionGenetics, part of Exact Sciences
Classification: Likely benign for SLC35A3-related condition. Last evaluated: 2019-11-12. Review status: no assertion criteria provided. Collection method: clinical testing. Allele origin: germline. Not counted in ClinVar's aggregate classification.
Comment: This variant is classified as likely benign based on ACMG/AMP sequence variant interpretation guidelines (Richards et al. 2015 PMID: 25741868, with internal and published modifications).

NM_012243.3(SLC35A3):c.63T>G (p.Val21=)

Gene: SLC35A3 (solute carrier family 35 member A3; plus strand). Cytogenetic location: 1p21.2.
Variant type: single nucleotide variant.
Coding change: c.63T>G on transcript NM_012243.3 (MANE Select); coding-DNA position 63, T replaced by G.
Protein change: p.Val21=; no amino-acid change (valine 21 retained).
Molecular consequence: synonymous variant.
Genome position (GRCh38, 1-based): chr1:99,993,617, T>G. VCF-style: chr1-99993617-T-G. GRCh37 (hg19) VCF-style: chr1-100459173-T-G.
Other names: c.63T>G, p.Val21= (NM_001271684.2); c.189T>G, p.Val63= (NM_001271685.2).
Identifiers: ClinVar variation 474763 (VCV000474763.15), dbSNP rs141542767, ClinGen allele CA967510.